The following is an entry in ClinVar:

NM_001854.4(COL11A1):c.1609A>G (p.Thr537Ala)

Gene: COL11A1 (collagen type XI alpha 1 chain; minus strand). Cytogenetic location: 1p21.1.
Variant type: single nucleotide variant.
Coding change: c.1609A>G on transcript NM_001854.4 (MANE Select); coding-DNA position 1609, A replaced by G.
Protein change: p.Thr537Ala; replaces threonine 537 with alanine.
Molecular consequence: missense variant. On other transcripts: non-coding transcript variant (1).
Genome position (GRCh38, 1-based): chr1:103,012,433, T>C on the plus strand (A>G on the coding strand, the complement: COL11A1 is on the minus strand). VCF-style: chr1-103012433-T-C. GRCh37 (hg19) VCF-style: chr1-103477989-T-C.
Other names: c.1261A>G, p.Thr421Ala (NM_001168249.1, NM_080630.4); c.1492A>G, p.Thr498Ala (NM_001190709.2); c.1645A>G, p.Thr549Ala (NM_080629.3); short protein forms T421A, T498A, T537A, T549A.
Identifiers: ClinVar variation 1722050 (VCV001722050.5), dbSNP rs1436840107, ClinGen allele CA341177254.

ClinVar aggregate classification (germline): Uncertain significance (1 of 4 stars; one submission).

gnomAD v4.1: 2 of 1,613,360 alleles (0.00012%); highest among the groups gnomAD compares: African/African-American, 0.0013%; no homozygotes.

Submission:

Labcorp Genetics (formerly Invitae), Labcorp
Classification: Uncertain significance. Last evaluated: 2022-10-22. Review status: criteria provided, single submitter. Criteria: Invitae Variant Classification Sherloc (09022015). Collection method: clinical testing. Allele origin: germline.
Comment: In summary, the available evidence is currently insufficient to determine the role of this variant in disease. Therefore, it has been classified as a Variant of Uncertain Significance. Advanced modeling of protein sequence and biophysical properties (such as structural, functional, and spatial information, amino acid conservation, physicochemical variation, residue mobility, and thermodynamic stability) performed at Invitae indicates that this missense variant is not expected to disrupt COL11A1 protein function. This variant has not been reported in the literature in individuals affected with COL11A1-related conditions. This variant is not present in population databases (gnomAD no frequency). This sequence change replaces threonine, which is neutral and polar, with alanine, which is neutral and non-polar, at codon 537 of the COL11A1 protein (p.Thr537Ala).